The following is an entry in ClinVar:

ClinVar aggregate classification (germline): Uncertain significance (1 of 4 stars; one submission).

Conditions:
Cardiomyopathy (CMYO). Also called: Cardiomyopathies. Identifiers: Orphanet 167848, MedGen C0878544, MONDO:0004994, HP:0001638. Inheritance: Various modes of inheritance.

Submission:

Color Diagnostics, LLC DBA Color Health
Classification: Uncertain significance for Cardiomyopathy. Last evaluated: 2020-06-29. Review status: criteria provided, single submitter. Criteria: ACMG Guidelines, 2015. Collection method: clinical testing. Allele origin: germline.
Comment: This variant inserts 2 nucleotides in exon 9 of the DSC2 gene, creating a frameshift and premature translation stop signal. This variant is expected to result in an absent or non-functional protein product. To our knowledge, this variant has not been reported in individuals affected with cardiovascular disorders in the literature. This variant has not been identified in the general population by the Genome Aggregation Database (gnomAD). Although there is a suspicion for a pathogenic role, clinical relevance of loss-of-function DSC2 truncation and splice variants in autosomal dominant arrhythmogenic right ventricular cardiomyopathy is not yet clearly established. The available evidence is insufficient to determine the role of this variant in disease conclusively. Therefore, this variant is classified as a Variant of Uncertain Significance.

NM_024422.6(DSC2):c.1122_1123insAA (p.Arg375fs)

Gene: DSC2 (desmocollin 2; minus strand). Cytogenetic location: 18q12.1.
Variant type: Insertion.
Coding change: c.1122_1123insAA on transcript NM_024422.6 (MANE Select); coding-DNA positions 1122 to 1123, AA inserted.
Protein change: p.Arg375fs; shifts the reading frame from arginine 375.
Molecular consequence: frameshift variant.
Genome position: GRCh38 VCF-style: chr18-31082378-G-GTT. GRCh37 (hg19) VCF-style: chr18-28662344-G-GTT.
Other names: c.1122_1123insAA, p.Arg375fs (NM_004949.5); short protein forms R375fs.
Identifiers: ClinVar variation 1171466 (VCV001171466.2), dbSNP rs2144819390, ClinGen allele CA2499225108.